The following is an entry in ClinVar:

NM_005585.5(SMAD6):c.37C>G (p.Leu13Val)

Gene: SMAD6 (SMAD family member 6; plus strand). Cytogenetic location: 15q22.31.
Variant type: single nucleotide variant.
Coding change: c.37C>G on transcript NM_005585.5 (MANE Select); coding-DNA position 37, C replaced by G.
Protein change: p.Leu13Val; replaces leucine 13 with valine.
Molecular consequence: missense variant. On other transcripts: non-coding transcript variant (1).
Genome position (GRCh38, 1-based): chr15:66,703,295, C>G. VCF-style: chr15-66703295-C-G. GRCh37 (hg19) VCF-style: chr15-66995633-C-G.
Other names: short protein forms L13V.
Identifiers: ClinVar variation 4082912 (VCV004082912.1).

ClinVar aggregate classification (germline): Uncertain significance (1 of 4 stars; one submission).

gnomAD v4.1: 2 of 1,491,228 alleles (0.00013%); highest among the groups gnomAD compares: Non-Finnish European, 0.00018%; no homozygotes.

Submission:

GeneDx
Classification: Uncertain significance. Last evaluated: 2025-03-12. Review status: criteria provided, single submitter. Criteria: GeneDx Variant Classification Process June 2021. Collection method: clinical testing. Allele origin: germline. Affected: yes.
Comment: Not observed at significant frequency in large population cohorts (gnomAD); In silico analysis indicates that this missense variant does not alter protein structure/function; Has not been previously published as pathogenic or benign to our knowledge